The following is an entry in ClinVar:

ClinVar aggregate classification (germline): Conflicting classifications of pathogenicity. Review status: criteria provided, conflicting classifications (1 of 4 stars). 2 submissions from 2 submitters: Pathogenic (1); Uncertain significance (1). Last evaluated 2025-04-11.

Conditions:
Pancytopenia due to IKZF1 mutations. Also called: Immunodeficiency, common variable, 13. Identifiers: Orphanet 317473, MedGen C4225173, MONDO:0014810, OMIM 616873.

Submissions (2):

Labcorp Genetics (formerly Invitae), Labcorp
Classification: Uncertain significance. Last evaluated: 2025-04-11. Review status: criteria provided, single submitter. Criteria: Invitae Variant Classification Sherloc (09022015). Collection method: clinical testing. Allele origin: germline.
Comment: This sequence change replaces histidine, which is basic and polar, with arginine, which is basic and polar, at codon 195 of the IKZF1 protein (p.His195Arg). This variant is not present in population databases (gnomAD no frequency). This missense change has been observed in individual(s) with IKZF1-related conditions (PMID: 31069201). ClinVar contains an entry for this variant (Variation ID: 428611). Algorithms developed to predict the effect of variants on gene product structure and function are not available or were not evaluated for this variant. Experimental studies have shown that this missense change affects IKZF1 function (PMID: 31069201). In summary, the available evidence is currently insufficient to determine the role of this variant in disease. Therefore, it has been classified as a Variant of Uncertain Significance.

Immunogenetics Laboratory, Johns Hopkins All Children's Hospital
Classification: Pathogenic for Pancytopenia due to IKZF1 mutations. Last evaluated: 2017-04-05. Review status: criteria provided, single submitter. Criteria: ACMG Guidelines, 2015. Collection method: clinical testing. Allele origin: maternal. Inheritance: Autosomal dominant inheritance. Affected: yes. Observed: 1 variant allele, 1 heterozygote.
Comment: Mutations in the transcription factor IKAROS (encoded by IKZF1) cause an autosomal dominant antibody deficiency (infections, progressive loss of B cells and immunoglobulins [Ig]). Cytopenia and leukemia may occur. Neither had frequent infections. In vitro studies of mutant IKAROS showed loss of characteristic pericentromeric DNA-binding (arrow), consistent with previous findings of other pathogenic mutations (H167R) in IKZF1. IKAROS deficiency may present with ITP in the absence of infections. For ITP patients, we recommend serum Ig screening and evaluation for antibody defects. Identifying the genetic diagnosis in these cases can help anticipate complications in patients and their families.

Literature cited by the submitters: PubMed 31069201 (cited by Labcorp Genetics (formerly Invitae), Labcorp).

NM_006060.6(IKZF1):c.584A>G (p.His195Arg)

Gene: IKZF1 (IKAROS family zinc finger 1; plus strand). Cytogenetic location: 7p12.2.
Variant type: single nucleotide variant.
Coding change: c.584A>G on transcript NM_006060.6 (MANE Select); coding-DNA position 584, A replaced by G.
Protein change: p.His195Arg; replaces histidine 195 with arginine.
Molecular consequence: missense variant. On other transcripts: intron variant (6).
Genome position (GRCh38, 1-based): chr7:50,382,702, A>G. VCF-style: chr7-50382702-A-G. GRCh37 (hg19) VCF-style: chr7-50450400-A-G.
Other names: c.584A>G, p.His195Arg (NM_001220765.3, NM_001220768.2, NM_001291837.2); c.323A>G, p.His108Arg (NM_001220767.2, NM_001220770.2, NM_001291838.2 and 1 more transcripts); c.421+5909A>G (NM_001220771.2); c.161-4643A>G (NM_001291841.1, NM_001291842.1); c.161-9027A>G (NM_001291843.1, NM_001291844.1); c.161-17216A>G (NM_001291840.1); short protein forms H108R, H195R.
Identifiers: ClinVar variation 428611 (VCV000428611.4), dbSNP rs1131690788, ClinGen allele CA367531694.